The following is an entry in ClinVar:

ClinVar aggregate classification (germline): Uncertain significance (1 of 4 stars; one submission).

Submission:

Labcorp Genetics (formerly Invitae), Labcorp
Classification: Uncertain significance. Last evaluated: 2024-02-11. Review status: criteria provided, single submitter. Criteria: Invitae Variant Classification Sherloc (09022015). Collection method: clinical testing. Allele origin: germline.
Comment: This sequence change replaces glutamine, which is neutral and polar, with leucine, which is neutral and non-polar, at codon 141 of the NFE2L2 protein (p.Gln141Leu). This variant is not present in population databases (gnomAD no frequency). This variant has not been reported in the literature in individuals affected with NFE2L2-related conditions. An algorithm developed to predict the effect of missense changes on protein structure and function (PolyPhen-2) suggests that this variant is likely to be tolerated. In summary, the available evidence is currently insufficient to determine the role of this variant in disease. Therefore, it has been classified as a Variant of Uncertain Significance.

NM_006164.5(NFE2L2):c.422A>T (p.Gln141Leu)

Gene: NFE2L2 (NFE2 like bZIP transcription factor 2; minus strand). Cytogenetic location: 2q31.2.
Variant type: single nucleotide variant.
Coding change: c.422A>T on transcript NM_006164.5 (MANE Select); coding-DNA position 422, A replaced by T.
Protein change: p.Gln141Leu; replaces glutamine 141 with leucine.
Molecular consequence: missense variant. On other transcripts: splice acceptor variant (1).
Genome position (GRCh38, 1-based): chr2:177,232,564, T>A on the plus strand (A>T on the coding strand, the complement: NFE2L2 is on the minus strand). VCF-style: chr2-177232564-T-A. GRCh37 (hg19) VCF-style: chr2-178097292-T-A.
Other names: c.374A>T, p.Gln125Leu (NM_001145412.3, NM_001313900.1, NM_001313901.1); c.332A>T, p.Gln111Leu (NM_001313902.2); c.203A>T, p.Gln68Leu (NM_001313903.2); c.122A>T, p.Gln41Leu (NM_001313904.1); c.355-2A>T (NM_001145413.3); short protein forms Q141L, Q68L, Q111L, Q125L, Q41L.
Identifiers: ClinVar variation 3640199 (VCV003640199.2).